The following is an entry in ClinVar:

NM_001099667.3(ARMS2):c.*204C>A

Genes: ARMS2 (age-related maculopathy susceptibility 2; plus strand), HTRA1-AS1 (HTRA1 and ARMS2 antisense RNA 1; minus strand). Cytogenetic location: 10q26.13.
Variant type: single nucleotide variant.
Coding change: c.*204C>A on transcript NM_001099667.3 (MANE Select); 204 bases downstream of the stop codon, C replaced by A.
Molecular consequence: 3 prime UTR variant.
Genome position (GRCh38, 1-based): chr10:122,457,137, C>A. VCF-style: chr10-122457137-C-A. GRCh37 (hg19) VCF-style: chr10-124216653-C-A.
Identifiers: ClinVar variation 299036 (VCV000299036.5), dbSNP rs79134213, ClinGen allele CA10628127.

ClinVar aggregate classification (germline): Likely benign (1 of 4 stars; one submission).

Conditions:
Age related macular degeneration 8. Identifiers: MedGen C3151070, MONDO:0013416, OMIM 613778.

Allele frequency attached by ClinVar (database versions not stated): gnomAD exomes 0.00021; 1000 Genomes Project 0.00060; gnomAD 0.00061 and 0.00063; 1000 Genomes Project 30x 0.00062; TOPMed 0.00069.

Submission:

Illumina Laboratory Services, Illumina
Classification: Likely benign for Age related macular degeneration 8. Last evaluated: 2018-01-12. Review status: criteria provided, single submitter. Criteria: ICSL Variant Classification Criteria 13 December 2019. Collection method: clinical testing. Allele origin: germline.
Comment: This variant was observed in the ICSL laboratory as part of a predisposition screen in an ostensibly healthy population. It had not been previously curated by ICSL or reported in the Human Gene Mutation Database (HGMD: prior to June 1st, 2018), and was therefore a candidate for classification through an automated scoring system. Utilizing variant allele frequency, disease prevalence and penetrance estimates, and inheritance mode, an automated score was calculated to assess if this variant is too frequent to cause the disease. Based on the score and internal cut-off values, a variant classified as likely benign is not then subjected to further curation. The score for this variant resulted in a classification of likely benign for this disease.